The following is an entry in ClinVar:

NM_001184.4(ATR):c.5286C>G (p.Asn1762Lys)

Gene: ATR (ATR checkpoint kinase; minus strand). Cytogenetic location: 3q23.
Variant type: single nucleotide variant.
Coding change: c.5286C>G on transcript NM_001184.4 (MANE Select); coding-DNA position 5286, C replaced by G.
Protein change: p.Asn1762Lys; replaces asparagine 1762 with lysine.
Molecular consequence: missense variant.
Genome position (GRCh38, 1-based): chr3:142,503,364, G>C on the plus strand (C>G on the coding strand, the complement: ATR is on the minus strand). VCF-style: chr3-142503364-G-C. GRCh37 (hg19) VCF-style: chr3-142222206-G-C.
Other names: c.5094C>G, p.Asn1698Lys (NM_001354579.2); short protein forms N1762K, N1698K.
Identifiers: ClinVar variation 901605 (VCV000901605.11), dbSNP rs377386677, ClinGen allele CA2649654.

ClinVar aggregate classification (germline): Uncertain significance. Review status: criteria provided, multiple submitters, no conflicts (2 of 4 stars). 5 submissions from 4 submitters: Uncertain significance (5). Last evaluated 2026-01-25.

Conditions:
Inborn genetic diseases. Identifiers: MedGen C0950123, MeSH D030342.
Familial cutaneous telangiectasia and oropharyngeal predisposition cancer syndrome. Identifiers: Orphanet 313846, MedGen C3281203, MONDO:0013806, OMIM 614564.
Seckel syndrome 1 (SCKL1). Also called: MICROCEPHALIC PRIMORDIAL DWARFISM I. Identifiers: Orphanet 808, MedGen C4551474, MONDO:0008869, OMIM 210600.

Allele frequency attached by ClinVar (database versions not stated): gnomAD exomes 0.00001; TOPMed 0.00002; ExAC 0.00003; gnomAD 0.00004; ESP Exome Variant Server 0.00008.
gnomAD v4.1: 35 of 1,596,526 alleles (0.0022%); highest among the groups gnomAD compares: Non-Finnish European, 0.0027%; no homozygotes.

Submissions (5):

Labcorp Genetics (formerly Invitae), Labcorp
Classification: Uncertain significance. Last evaluated: 2026-01-25. Review status: criteria provided, single submitter. Criteria: Invitae Variant Classification Sherloc (09022015). Collection method: clinical testing. Allele origin: germline.
Comment: This sequence change replaces asparagine, which is neutral and polar, with lysine, which is basic and polar, at codon 1762 of the ATR protein (p.Asn1762Lys). This variant is present in population databases (rs377386677, gnomAD 0.003%). This variant has not been reported in the literature in individuals affected with ATR-related conditions. ClinVar contains an entry for this variant (Variation ID: 901605). An algorithm developed to predict the effect of missense changes on protein structure and function (PolyPhen-2) suggests that this variant is likely to be tolerated. Algorithms developed to predict the effect of sequence changes on RNA splicing suggest that this variant may disrupt the consensus splice site. In summary, the available evidence is currently insufficient to determine the role of this variant in disease. Therefore, it has been classified as a Variant of Uncertain Significance.

Ambry Genetics
Classification: Uncertain significance for Inborn genetic diseases. Last evaluated: 2024-05-08. Review status: criteria provided, single submitter. Criteria: Ambry Variant Classification Scheme 2023. Collection method: clinical testing. Allele origin: germline.

Genome-Nilou Lab
Classification: Uncertain significance for Seckel syndrome 1. Last evaluated: 2023-02-08. Review status: criteria provided, single submitter. Criteria: ACMG Guidelines, 2015. Collection method: clinical testing. Allele origin: germline.

Genome-Nilou Lab
Classification: Uncertain significance for Familial cutaneous telangiectasia and oropharyngeal predisposition cancer syndrome. Last evaluated: 2023-02-08. Review status: criteria provided, single submitter. Criteria: ACMG Guidelines, 2015. Collection method: clinical testing. Allele origin: germline.

Illumina Laboratory Services, Illumina
Classification: Uncertain significance for Seckel syndrome 1. Last evaluated: 2018-01-12. Review status: criteria provided, single submitter. Criteria: ICSL Variant Classification Criteria 13 December 2019. Collection method: clinical testing. Allele origin: germline.